The following is an entry in ClinVar:

ClinVar aggregate classification (germline): Uncertain significance (1 of 4 stars; one submission).

Conditions:
Accelerated tumor formation, susceptibility to (ACTFS). Identifiers: MedGen C3280690, OMIM 614401, MONDO:0013733.

Allele frequency attached by ClinVar (database versions not stated): gnomAD 0.00001.
gnomAD v4.1: 1 of 1,607,106 alleles (0.000062%); highest among the groups gnomAD compares: East Asian, 0.0022%; no homozygotes.

Submission:

Labcorp Genetics (formerly Invitae), Labcorp
Classification: Uncertain significance for Accelerated tumor formation, susceptibility to. Last evaluated: 2023-10-10. Review status: criteria provided, single submitter. Criteria: Invitae Variant Classification Sherloc (09022015). Collection method: clinical testing. Allele origin: germline.
Comment: This sequence change replaces leucine, which is neutral and non-polar, with valine, which is neutral and non-polar, at codon 305 of the MDM2 protein (p.Leu305Val). This variant is present in population databases (no rsID available, gnomAD 0.06%). This variant has not been reported in the literature in individuals affected with MDM2-related conditions. ClinVar contains an entry for this variant (Variation ID: 1466586). An algorithm developed to predict the effect of missense changes on protein structure and function (PolyPhen-2) suggests that this variant is likely to be tolerated. In summary, the available evidence is currently insufficient to determine the role of this variant in disease. Therefore, it has been classified as a Variant of Uncertain Significance.

NM_002392.6(MDM2):c.913T>G (p.Leu305Val)

Gene: MDM2 (MDM2 proto-oncogene; plus strand). Cytogenetic location: 12q15.
Variant type: single nucleotide variant.
Coding change: c.913T>G on transcript NM_002392.6 (MANE Select); coding-DNA position 913, T replaced by G.
Protein change: p.Leu305Val; replaces leucine 305 with valine.
Molecular consequence: missense variant. On other transcripts: intron variant (1).
Genome position (GRCh38, 1-based): chr12:68,836,744, T>G. VCF-style: chr12-68836744-T-G. GRCh37 (hg19) VCF-style: chr12-69230524-T-G.
Other names: c.754T>G, p.Leu252Val (NM_001145337.3); c.748T>G, p.Leu250Val (NM_001145339.2); c.385T>G, p.Leu129Val (NM_001278462.2); c.895T>G, p.Leu299Val (NM_001367990.1); c.312+760T>G (NM_001145340.3); short protein forms L250V, L252V, L299V, L129V, L305V.
Identifiers: ClinVar variation 1466586 (VCV001466586.8), dbSNP rs547696481, ClinGen allele CA385703859.
Genomic context (GRCh38, chr12:68,836,744, plus strand): 5'-ACTGTGTATCAGGCAGGGGAGAGTGATACAGATTCATTTGAAGAAGATCCTGAAATTTCC[T>G]TAGCTGTAAGTATACATCTACTTTTTTAAGAAATAAAAATTTCATTAAGGTCAAGATTAG-3'
Protein context (NP_002383.2, residues 295-315): DSFEEDPEIS[Leu305Val]ADYWKCTSCN